The following is an entry in ClinVar:

NC_000002.11:g.(?_96919546)_(96931119_?)del

Gene: TMEM127 (transmembrane protein 127; minus strand). Cytogenetic location: 2q11.2.
Variant type: Deletion.
Identifiers: ClinVar variation 3247224 (VCV003247224.1).

ClinVar aggregate classification (germline): Pathogenic (1 of 4 stars; one submission).

Conditions:
Hereditary pheochromocytoma and paraganglioma. Also called: Hereditary paragangliomas and pheochromocytomas; Hereditary Paraganglioma-Pheochromocytoma Syndromes; Hereditary pheochromocytoma-paraganglioma. Identifiers: Orphanet 29072, MedGen C4274332, MONDO:0017366.

Submission:

Labcorp Genetics (formerly Invitae), Labcorp
Classification: Pathogenic for Hereditary pheochromocytoma and paraganglioma. Last evaluated: 2024-01-24. Review status: criteria provided, single submitter. Criteria: Invitae Variant Classification Sherloc (09022015). Collection method: clinical testing. Allele origin: unknown.
Comment: A gross deletion of the genomic region encompassing the full coding sequence of the TMEM127 gene has been identified. Loss-of-function variants in TMEM127 are known to be pathogenic (PMID: 20154675, 21156949). The boundaries of this event are unknown as they extend beyond the assayed region for this gene and therefore may encompass additional genes. This variant has not been reported in the literature in individuals affected with TMEM127-related conditions. For these reasons, this variant has been classified as Pathogenic.

Literature cited by the submitters: PubMed 20154675; PubMed 21156949.